The following is an entry in ClinVar:

ClinVar aggregate classification (germline): Likely benign (1 of 4 stars; one submission).

Allele frequency attached by ClinVar (database versions not stated): 1000 Genomes Project 0.00300; 1000 Genomes Project 30x 0.00328; TOPMed 0.00369; gnomAD 0.00388; ESP Exome Variant Server 0.00400; ExAC 0.00557.

Submission:

CeGaT Center for Human Genetics Tuebingen
Classification: Likely benign. Last evaluated: 2022-09-01. Review status: criteria provided, single submitter. Criteria: CeGaT Center For Human Genetics Tuebingen Variant Classification Criteria Version 2. Collection method: clinical testing. Allele origin: germline. Affected: yes. Observed: 1 variant allele.
Comment: WNT6: BP4, BP7

NM_006522.4(WNT6):c.627G>A (p.Ala209=)

Gene: WNT6 (Wnt family member 6; plus strand). Cytogenetic location: 2q35.
Variant type: single nucleotide variant.
Coding change: c.627G>A on transcript NM_006522.4 (MANE Select); coding-DNA position 627, G replaced by A.
Protein change: p.Ala209=; no amino-acid change (alanine 209 retained).
Molecular consequence: synonymous variant.
Genome position (GRCh38, 1-based): chr2:218,871,810, G>A. VCF-style: chr2-218871810-G-A. GRCh37 (hg19) VCF-style: chr2-219736532-G-A.
Identifiers: ClinVar variation 2651901 (VCV002651901.24), dbSNP rs143354443, ClinGen allele CA2113725.
Genomic context (GRCh38, chr2:218,871,810, plus strand): 5'-GCGGCACAAGCGGGGACGCGGAGACATCCGCGCGTTGGTGCAACTGCACAACAACGAGGC[G>A]GGCAGGCTGGTGCGTACGGGCAGGATGGAGTGAGTGTGTGCGGAAATGTGAGTGTGCGCG-3'
Protein context (NP_006513.1, residues 199-219): RALVQLHNNE[Ala209=]GRLAVRSHTR